The following is an entry in ClinVar:

NM_000132.4(F8):c.5803_5815+7del

Gene: F8 (coagulation factor VIII; minus strand). Cytogenetic location: Xq28.
Variant type: Deletion.
Coding change: c.5803_5815+7del on transcript NM_000132.4 (MANE Select); coding-DNA position 5803 through 7 bases into the intron after coding-DNA position 5815, 20 bases deleted (TATCGCTTCCATGGTAATAT).
Molecular consequence: splice donor variant.
Genome position (GRCh38, 1-based): chrX:154,904,289-154,904,308, ATATTACCATGGAAGCGATA deleted on the plus strand (TATCGCTTCCATGGTAATAT on the coding strand, the reverse complement: F8 is on the minus strand); deleting any 20 consecutive bases within chrX:154,904,289-154,904,310 gives the same sequence; the c. name uses the placement nearest the transcript's 3' end. VCF-style (leftmost placement, unchanged base first): chrX-154904288-TATATTACCATGGAAGCGATA-T. GRCh37 (hg19) VCF-style: chrX-154132563-TATATTACCATGGAAGCGATA-T.
Other names: p.?.
Identifiers: ClinVar variation 4542519 (VCV004542519.1).

ClinVar aggregate classification (germline): Likely pathogenic (1 of 4 stars; one submission).

Submission:

Mayo Clinic Laboratories, Mayo Clinic
Classification: Likely pathogenic. Last evaluated: 2025-04-04. Review status: criteria provided, single submitter. Criteria: ACMG Guidelines, 2015. Collection method: clinical testing. Allele origin: germline. Observed: 1 variant allele.
Comment: PM2_supporting, PS1_supporting, PVS1

Literature cited by the submitters: PubMed 35770352.